The following is an entry in ClinVar:

ClinVar aggregate classification (germline): Pathogenic. Review status: reviewed by expert panel (3 of 4 stars). 7 submissions from 7 submitters: Pathogenic (1). 6 of the submissions do not count toward it. Last evaluated 2025-01-07.

Conditions:
Muscular dystrophy, limb-girdle, autosomal dominant 4. Also called: Calpain-3-related limb-girdle muscular dystrophy D4; MUSCULAR DYSTROPHY, LIMB-GIRDLE, TYPE 1I. Identifiers: Orphanet 565909, MedGen C4748295, MONDO:0029133, OMIM 618129.
Autosomal recessive limb-girdle muscular dystrophy type 2A (LGMDR1). Also called: Calpainopathy; MUSCULAR DYSTROPHY, PELVOFEMORAL; Limb-girdle muscular dystrophy, type 2A; Muscular dystrophy, limb-girdle, type 2A, Amish; LEYDEN-MOEBIUS MUSCULAR DYSTROPHY. Identifiers: Orphanet 267, MedGen C1869123, MONDO:0009675, OMIM 253600. Disease mechanism: loss of function.
Autosomal recessive limb-girdle muscular dystrophy. Identifiers: Orphanet 102015, MedGen C2931907, MONDO:0015152.

Submissions (7):

ClinGen Limb Girdle Muscular Dystrophy Variant Curation Expert Panel, ClinGen
Classification: Pathogenic for Autosomal recessive limb-girdle muscular dystrophy. Last evaluated: 2025-01-07. Review status: reviewed by expert panel. Criteria: ClinGen LGMD VCEP ACMG Specifications CAPN3 V1.0.0. Collection method: curation. Allele origin: germline. Inheritance: Autosomal recessive inheritance.
Comment: The NM_000070.3: c.1524G>A variant in CAPN3 is a synonymous (silent) variant (p.Glu508=) that affects the last nucleotide of exon 11. This variant has been detected in at least seven individuals with LGMD (PMID: 26404900, 17236769, 17994539, 16141003, 32528171; ClinVar SCV001423802.2 internal data communication). Of those individuals, at least three were compound heterozygous, and in at least two, the variant was confirmed in trans with a pathogenic variant (c.550del p.(Thr184ArgfsTer36), 2.0 pts, PMID: 17236769, 17994539). In addition, at least one individual was homozygous for the variant (0.5 pts, PMID: 17994539) (PM3_Strong). At least one patient with this variant displayed progressive limb girdle muscle weakness as well as absent expression of calpain-3 protein, which is highly specific for CAPN3-related LGMD (PP4_Strong; PMID: 17236769). This variant is absent from gnomAD v2.1.1 and v.3.1.2 (PM2_Supporting). The SpliceAI prediction score for this variant is 0.66 (donor loss), which is greater than the VCEP threshold of ≥ 0.50 and suggestive of an impact on splicing (PP3). In summary, this variant meets the criteria to be classified as Pathogenic for autosomal recessive limb girdle muscular dystrophy based on the ACMG/AMP criteria applied, as specified by the ClinGen LGMD VCEP (LGMD VCEP specifications version 1.0.0; 01/07/2025): PM3_Strong, PP4_Strong, PM2_Supporting, PP3.

Labcorp Genetics (formerly Invitae), Labcorp
Classification: Uncertain significance for Autosomal recessive limb-girdle muscular dystrophy type 2A. Last evaluated: 2025-02-10. Review status: criteria provided, single submitter. Criteria: Invitae Variant Classification Sherloc (09022015). Collection method: clinical testing. Allele origin: germline. Not counted in ClinVar's aggregate classification.
Comment: This sequence change affects codon 508 of the CAPN3 mRNA. It is a 'silent' change, meaning that it does not change the encoded amino acid sequence of the CAPN3 protein. This variant also falls at the last nucleotide of exon 11, which is part of the consensus splice site for this exon. This variant is not present in population databases (gnomAD no frequency). This variant has been observed in individual(s) with limb-girdle muscle weakness and/or limb-girdle muscular dystrophy (PMID: 16141003, 17994539, 32528171). ClinVar contains an entry for this variant (Variation ID: 286592). Variants that disrupt the consensus splice site are a relatively common cause of aberrant splicing (PMID: 17576681, 9536098). Algorithms developed to predict the effect of sequence changes on RNA splicing suggest that this variant may disrupt the consensus splice site. In summary, the available evidence is currently insufficient to determine the role of this variant in disease. Therefore, it has been classified as a Variant of Uncertain Significance.

Fulgent Genetics
Classification: Likely pathogenic for Autosomal recessive limb-girdle muscular dystrophy type 2A; Muscular dystrophy, limb-girdle, autosomal dominant 4. Last evaluated: 2024-06-13. Review status: criteria provided, single submitter. Criteria: ACMG Guidelines, 2015. Collection method: clinical testing. Allele origin: germline. Not counted in ClinVar's aggregate classification.

Baylor Genetics
Classification: Likely pathogenic for Muscular dystrophy, limb-girdle, autosomal dominant 4. Last evaluated: 2023-04-18. Review status: criteria provided, single submitter. Criteria: ACMG Guidelines, 2015. Collection method: clinical testing. Allele origin: unknown. Not counted in ClinVar's aggregate classification.

Illumina Laboratory Services, Illumina
Classification: Likely pathogenic for Limb-girdle muscular dystrophy, type 2A. Last evaluated: 2020-03-24. Review status: criteria provided, single submitter. Criteria: ICSLVariantClassificationCriteria RUGD 01 April 2020. Collection method: clinical testing. Allele origin: unknown. Not counted in ClinVar's aggregate classification.
Comment: The CAPN3 c.1524G>A (p.Glu508Glu) is a synonymous splice region variant. The p.Glu508Glu variant has been reported in two studies in which it was identified in at least two individuals affected with limb girdle muscular dystrophy, in one in a homozygous state and in the other in a compound heterozygous state. In both patients, immunohistochemistry of tissue from muscle biopsy showed either neglible or absent Calpain-3 protein levels compared to normal controls (Guglieri et al. 2008). In addition, Milic et al. (2007), demonstrated that protein extracted from the muscle biopsy of a patient who carriend the p.Glu508Glu variant in a compound heterozygous state, did not have any Calpain-3 protein activity. The p.Glu508Glu variant is not found in the Genome Aggregation Database, in a region of good sequence coverage, so the variant is presumed to be rare. Based on the collective evidence and application of ACMG criteria, the p.Glu508Glu variant is classified as likely pathogenic for calpainopathy.

Centre for Mendelian Genomics, University Medical Centre Ljubljana
Classification: Likely pathogenic for Muscular dystrophy, limb-girdle, autosomal dominant 4. Last evaluated: 2018-11-14. Review status: criteria provided, single submitter. Criteria: ACMG Guidelines, 2015. Collection method: clinical testing. Allele origin: unknown. Affected: yes. Not counted in ClinVar's aggregate classification.
Comment: This variant was classified as: Likely pathogenic. The following ACMG criteria were applied in classifying this variant: PM2,PM3,PP3,PP4.

Eurofins Ntd Llc (ga)
Classification: Likely pathogenic. Last evaluated: 2017-05-25. Review status: criteria provided, single submitter. Criteria: EGL Classification Definitions 2015. Collection method: clinical testing. Allele origin: germline. Observed: 2 variant alleles, 2 heterozygotes. Not counted in ClinVar's aggregate classification.

Literature cited by the submitters: PubMed 16141003 (cited by Labcorp Genetics (formerly Invitae), Labcorp and Eurofins Ntd Llc (ga)); PubMed 17994539 (cited by 3 submitters); PubMed 32528171 (cited by Labcorp Genetics (formerly Invitae), Labcorp); PubMed 17576681 (cited by Labcorp Genetics (formerly Invitae), Labcorp); PubMed 9536098 (cited by Labcorp Genetics (formerly Invitae), Labcorp); PubMed 17236769 (cited by Illumina Laboratory Services, Illumina).

NM_000070.3(CAPN3):c.1524G>A (p.Glu508=)

Gene: CAPN3 (calpain 3; plus strand). Cytogenetic location: 15q15.1.
Variant type: single nucleotide variant.
Coding change: c.1524G>A on transcript NM_000070.3 (MANE Select); coding-DNA position 1524, G replaced by A.
Protein change: p.Glu508=; no amino-acid change (glutamic acid 508 retained).
Molecular consequence: synonymous variant.
Genome position (GRCh38, 1-based): chr15:42,401,810, G>A. VCF-style: chr15-42401810-G-A. GRCh37 (hg19) VCF-style: chr15-42694008-G-A.
Other names: NM_000070.3(CAPN3):c.1524G>A; p.Glu508=; c.1524G>A, p.Glu508= (NM_024344.2); c.1380G>A, p.Glu460= (NM_173087.2).
Identifiers: ClinVar variation 286592 (VCV000286592.19), dbSNP rs886043432, ClinGen allele CA10605515.
Genomic context (GRCh38, chr15:42,401,810, plus strand): 5'-CCGGCGGAAGGACCGGAAGCTAGGGGCCAGTCTCTTCACCATTGGCTTCGCCATCTACGA[G>A]GTGTGCAGTCCTGATTGGCTCCAGCCCAGGAAACATACTTTCCCAGGGAGGACGCTTCCA-3'
Protein context (NP_000061.1, residues 498-518): SLFTIGFAIY[Glu508=]VPKEMHGNKQ